The following is an entry in ClinVar:

NM_018006.5(TRMU):c.355+1G>C

Gene: TRMU (tRNA mitochondrial 2-thiouridylase; plus strand). Cytogenetic location: 22q13.31.
Variant type: single nucleotide variant.
Coding change: c.355+1G>C on transcript NM_018006.5 (MANE Select); the canonical splice donor site of the intron after coding-DNA position 355, G replaced by C.
Molecular consequence: splice donor variant. On other transcripts: intron variant (3).
Genome position (GRCh38, 1-based): chr22:46,343,369, G>C. VCF-style: chr22-46343369-G-C. GRCh37 (hg19) VCF-style: chr22-46739266-G-C.
Other names: c.355+1G>C (NM_001282785.2, NM_018006.4); c.14-3053G>C (NM_001282782.2); c.-6-3053G>C (NM_001282783.2, NM_001282784.2).
Identifiers: ClinVar variation 1505038 (VCV001505038.11), dbSNP rs1407825579, ClinGen allele CA411942568.

ClinVar aggregate classification (germline): Likely pathogenic. Review status: criteria provided, multiple submitters, no conflicts (2 of 4 stars). 3 submissions from 3 submitters: Likely pathogenic (3). Last evaluated 2025-03-09.

Conditions:
Aminoglycoside-induced deafness. Also called: MT-RNR1-Related Hearing Loss and Deafness; STREPTOMYCIN OTOTOXICITY; DEAFNESS, STREPTOMYCIN-INDUCED. Identifiers: Orphanet 168609, MedGen C1838854, MONDO:0010799, OMIM 580000.
Acute infantile liver failure due to synthesis defect of mtDNA-encoded proteins. Also called: Liver failure acute infantile; TRMU Deficiency; LIVER FAILURE, INFANTILE, TRANSIENT. Identifiers: Orphanet 217371, MedGen C3278664, MONDO:0013111, OMIM 613070.

Allele frequency attached by ClinVar (database versions not stated): TOPMed below 0.00001.

Submissions (3):

Natera, Inc.
Classification: Likely pathogenic for Acute infantile liver failure due to synthesis defect of mtDNA-encoded proteins. Last evaluated: 2025-03-09. Review status: criteria provided, single submitter. Criteria: Natera Variant Classification Schema (03/2026). Collection method: clinical testing. Allele origin: germline.
Comment: The c.355+1G>C variant in TRMU is a canonical splice donor site variant predicted to affect pre-mRNA splicing, which may result in an abnormal transcript and altered protein product. This variant is expected to result in nonsense mediated decay, truncation, or a dysfunctional protein product. This variant is rare in the general population with a frequency below the threshold expected for the associated phenotype(s). Given the available evidence, this variant is classified as Likely Pathogenic.

Baylor Genetics
Classification: Likely pathogenic for Aminoglycoside-induced deafness. Last evaluated: 2024-03-07. Review status: criteria provided, single submitter. Criteria: ACMG Guidelines, 2015. Collection method: clinical testing. Allele origin: unknown.

Labcorp Genetics (formerly Invitae), Labcorp
Classification: Likely pathogenic. Last evaluated: 2023-09-03. Review status: criteria provided, single submitter. Criteria: Invitae Variant Classification Sherloc (09022015). Collection method: clinical testing. Allele origin: germline.
Comment: This sequence change affects a donor splice site in intron 3 of the TRMU gene. It is expected to disrupt RNA splicing. Variants that disrupt the donor or acceptor splice site typically lead to a loss of protein function (PMID: 16199547), and loss-of-function variants in TRMU are known to be pathogenic (PMID: 19732863, 23625533). This variant is present in population databases (no rsID available, gnomAD 0.006%). In summary, the currently available evidence indicates that the variant is pathogenic, but additional data are needed to prove that conclusively. Therefore, this variant has been classified as Likely Pathogenic. Algorithms developed to predict the effect of sequence changes on RNA splicing suggest that this variant may disrupt the consensus splice site. ClinVar contains an entry for this variant (Variation ID: 1505038). This variant has not been reported in the literature in individuals affected with TRMU-related conditions.

Literature cited by the submitters: PubMed 16199547 (cited by Labcorp Genetics (formerly Invitae), Labcorp); PubMed 19732863 (cited by Labcorp Genetics (formerly Invitae), Labcorp); PubMed 23625533 (cited by Labcorp Genetics (formerly Invitae), Labcorp).